The following is an entry in ClinVar:

ClinVar aggregate classification (germline): Conflicting classifications of pathogenicity. Review status: criteria provided, conflicting classifications (1 of 4 stars). 7 submissions from 7 submitters: Uncertain significance (5); Likely benign (2). Last evaluated 2026-07-27.

Conditions:
Hereditary cancer. Identifiers: MedGen C1333600.
Hereditary cancer-predisposing syndrome. Also called: Neoplastic Syndromes, Hereditary; Hereditary Cancer Syndrome; Tumor predisposition; Hereditary neoplastic syndrome. Identifiers: Orphanet 140162, MedGen C0027672, MeSH D009386, MONDO:0015356.
Fanconi anemia (FA). Also called: Fanconi's anemia. Identifiers: Orphanet 84, MedGen C0015625, MeSH D005199, MONDO:0019391.
Fanconi anemia complementation group C (FANCC). Also called: FANCONI PANCYTOPENIA, TYPE 3; FACC; Fanconi anemia, group C; FANCC-Related Fanconi Anemia. Identifiers: Orphanet 84, MedGen C3468041, MONDO:0009213, OMIM 227645.

Allele frequency attached by ClinVar (database versions not stated): gnomAD exomes 0.00003; TOPMed 0.00004; ExAC 0.00003; gnomAD 0.00005.
gnomAD v4.1: 43 of 1,613,198 alleles (0.0027%); highest among the groups gnomAD compares: Middle Eastern, 0.016%; no homozygotes.

Submissions (7):

GeneDx
Classification: Uncertain significance. Last evaluated: 2026-07-27. Review status: criteria provided, single submitter. Criteria: GeneDx Variant Classification Process June 2021. Collection method: clinical testing. Allele origin: germline.
Comment: In silico analysis suggests that this missense variant does not alter protein structure/function; This variant is associated with the following publications: (PMID: 35264596, 33471991, 26689913, Gordon2000[Book])

Labcorp Genetics (formerly Invitae), Labcorp
Classification: Uncertain significance for Fanconi anemia. Last evaluated: 2025-11-09. Review status: criteria provided, single submitter. Criteria: Invitae Variant Classification Sherloc (09022015). Collection method: clinical testing. Allele origin: germline.
Comment: This sequence change replaces alanine, which is neutral and non-polar, with glycine, which is neutral and non-polar, at codon 132 of the FANCC protein (p.Ala132Gly). This variant is present in population databases (rs587779905, gnomAD 0.006%). This missense change has been observed in individual(s) with breast cancer and prostate cancer (PMID: 26689913, 35264596). ClinVar contains an entry for this variant (Variation ID: 127541). Invitae Evidence Modeling of protein sequence and biophysical properties (such as structural, functional, and spatial information, amino acid conservation, physicochemical variation, residue mobility, and thermodynamic stability) indicates that this missense variant is not expected to disrupt FANCC protein function with a negative predictive value of 80%. In summary, the available evidence is currently insufficient to determine the role of this variant in disease. Therefore, it has been classified as a Variant of Uncertain Significance.

Mendelics
Classification: Likely benign for Hereditary cancer. Last evaluated: 2024-01-23. Review status: criteria provided, single submitter. Criteria: ACMG Guidelines, 2015. Collection method: clinical testing. Allele origin: unknown.

Women's Health and Genetics/Laboratory Corporation of America, LabCorp
Classification: Uncertain significance. Last evaluated: 2023-09-11. Review status: criteria provided, single submitter. Criteria: LabCorp Variant Classification Summary - May 2015. Collection method: clinical testing. Allele origin: germline.
Comment: Variant summary: FANCC c.395C>G (p.Ala132Gly) results in a non-conservative amino acid change in the encoded protein sequence. Four of five in-silico tools predict a benign effect of the variant on protein function. The variant allele was found at a frequency of 3.2e-05 in 251186 control chromosomes. The available data on variant occurrences in the general population are insufficient to allow any conclusion about variant significance. c.395C>G has been reported in the literature in individuals affected with Breast Cancer or undertaking multiple gene panel testing, without strong evidence of causality (example, Guindalini_2022, Lu_2015). It is also present in both breast cancer cases and controls in a large study by the Breast Cancer Association Consortium (Dorling_2021). These report(s) do not provide unequivocal conclusions about association of the variant with Fanconi Anemia Group C. To our knowledge, no experimental evidence demonstrating an impact on protein function has been reported. The following publications have been ascertained in the context of this evaluation (PMID: 35264596, 26689913, 33471991). Seven submitters have cited clinical-significance assessments for this variant to ClinVar after 2014 (VUS, n=6, Likely benign, n=1). Based on the evidence outlined above, the variant was classified as uncertain significance.

Genetic Services Laboratory, University of Chicago
Classification: Uncertain significance. Last evaluated: 2021-04-16. Review status: criteria provided, single submitter. Criteria: ACMG Guidelines, 2015. Collection method: clinical testing. Allele origin: germline. Affected: no.
Comment: This sequence change does not appear to have been previously described in patients with FANCC-related disorders and has been described in the gnomAD database with a low population frequency of 0.0032% (dbSNP rs587779905). The p.Ala132Gly change affects a poorly conserved amino acid residue located in a domain of the FANCC protein that is known to be functional. The p.Ala132Gly substitution appears to be benign using several in-silico pathogenicity prediction tools (SIFT, PolyPhen2, Align GVGD, REVEL). Due to these contrasting evidences and the lack of functional studies, the clinical significance of the p.Ala132Gly change remains unknown at this time.

Ambry Genetics
Classification: Likely benign for Hereditary cancer-predisposing syndrome. Last evaluated: 2018-11-28. Review status: criteria provided, single submitter. Criteria: Ambry Variant Classification Scheme 2023. Collection method: clinical testing. Allele origin: germline.

Illumina Laboratory Services, Illumina
Classification: Uncertain significance for Fanconi anemia complementation group C. Last evaluated: 2018-01-12. Review status: criteria provided, single submitter. Criteria: ICSL Variant Classification Criteria 13 December 2019. Collection method: clinical testing. Allele origin: germline.

Literature cited by the submitters: PubMed 26689913 (cited by Labcorp Genetics (formerly Invitae), Labcorp and Women's Health and Genetics/Laboratory Corporation of America, LabCorp); PubMed 35264596 (cited by Labcorp Genetics (formerly Invitae), Labcorp and Women's Health and Genetics/Laboratory Corporation of America, LabCorp); PubMed 33471991 (cited by Women's Health and Genetics/Laboratory Corporation of America, LabCorp).

NM_000136.3(FANCC):c.395C>G (p.Ala132Gly)

Gene: FANCC (FA complementation group C; minus strand). Cytogenetic location: 9q22.32.
Variant type: single nucleotide variant.
Coding change: c.395C>G on transcript NM_000136.3 (MANE Select); coding-DNA position 395, C replaced by G.
Protein change: p.Ala132Gly; replaces alanine 132 with glycine.
Molecular consequence: missense variant.
Genome position (GRCh38, 1-based): chr9:95,172,098, G>C on the plus strand (C>G on the coding strand, the complement: FANCC is on the minus strand). VCF-style: chr9-95172098-G-C. GRCh37 (hg19) VCF-style: chr9-97934380-G-C.
Other names: p.A132G:GCT>GGT; c.395C>G, p.Ala132Gly (NM_001243743.2, NM_001243744.2); short protein forms A132G.
Identifiers: ClinVar variation 127541 (VCV000127541.30), dbSNP rs587779905, ClinGen allele CA287213.